The following is an entry in ClinVar:

ClinVar aggregate classification (germline): Likely pathogenic. Review status: reviewed by expert panel (3 of 4 stars). 2 submissions from 2 submitters: Likely pathogenic (1). 1 of the submissions does not count toward it. Last evaluated 2026-10-05.

Conditions:
Hereditary thrombocytopenia and hematologic cancer predisposition syndrome. Identifiers: Orphanet 71290, MedGen CN281654, MONDO:0011071.

Submissions (2):

ClinGen Myeloid Malignancy Variant Curation Expert Panel
Classification: Likely pathogenic for Hereditary thrombocytopenia and hematologic cancer predisposition syndrome. Last evaluated: 2026-10-05. Review status: reviewed by expert panel. Criteria: ClinGen MyeloMalig ACMG Specifications V3.1. Collection method: curation. Allele origin: germline. Inheritance: Autosomal dominant inheritance.
Comment: NM_001754.4:c.502G>A (p.Gly168Arg) is a missense variant which affects one of the amino acid residues (Gly168) within the RHD (amino acids 89-204; PM1_Supporting). This variant has a REVEL score ≥ 0.88 (0.95) (PP3) and is completely absent from all population databases with at least 20x coverage for RUNX1 (PM2_Supporting). This variant has been reported in two probands meeting at least one of the RUNX1-phenotypic criteria (PS4_Moderate) and was found to co-segregate with disease in three observed meioses across two families (PP1; PMID:39375928, NIH RUNX1 Natural History Study unpublished). In summary, this variant meets criteria to be classified as likely pathogenic. ACMG/AMP criteria applied, as specified by the Myeloid Malignancy Variant Curation Expert Panel for RUNX1: PM1_Supporting, PP3, PM2_Supporting, PS4_Moderate, PP1.

PreventionGenetics, part of Exact Sciences
Classification: Uncertain significance. Last evaluated: 2018-02-09. Review status: criteria provided, single submitter. Criteria: ACMG Guidelines, 2015. Collection method: clinical testing. Allele origin: germline. Not counted in ClinVar's aggregate classification.

NM_001754.5(RUNX1):c.502G>A (p.Gly168Arg)

Genes: RUNX1 (RUNX family transcription factor 1; minus strand), RUNX1-AS1 (RUNX1 antisense RNA 1; plus strand). Cytogenetic location: 21q22.12.
Variant type: single nucleotide variant.
Coding change: c.502G>A on transcript NM_001754.5 (MANE Select); coding-DNA position 502, G replaced by A.
Protein change: p.Gly168Arg; replaces glycine 168 with arginine.
Molecular consequence: missense variant.
Genome position (GRCh38, 1-based): chr21:34,880,563, C>T on the plus strand (G>A on the coding strand, the complement: RUNX1 is on the minus strand). VCF-style: chr21-34880563-C-T. GRCh37 (hg19) VCF-style: chr21-36252860-C-T.
Other names: NM_001754.4(RUNX1):c.502G>A; NM_001754.5(RUNX1):c.502G>A; c.421G>A, p.Gly141Arg (NM_001001890.3, NM_001122607.2); short protein forms G168R, G141R.
Identifiers: ClinVar variation 561243 (VCV000561243.7), dbSNP rs1569078784, ClinGen allele CA410202479.